The following is an entry in ClinVar:

NM_000037.4(ANK1):c.925del (p.Ile309fs)

Gene: ANK1 (ankyrin 1; minus strand). Cytogenetic location: 8p11.21.
Variant type: Deletion.
Coding change: c.925del on transcript NM_000037.4 (MANE Select); coding-DNA position 925, one base deleted (A; older notation c.925delA).
Protein change: p.Ile309fs; shifts the reading frame from isoleucine 309.
Molecular consequence: frameshift variant.
Genome position (GRCh38, 1-based): chr8:41,719,843, T deleted on the plus strand (A on the coding strand, the reverse complement: ANK1 is on the minus strand); the first of 2 consecutive T bases (chr8:41,719,843-41,719,844); deleting either gives the same sequence. VCF-style (leftmost placement, unchanged base first): chr8-41719842-AT-A. GRCh37 (hg19) VCF-style: chr8-41577360-AT-A.
Other names: c.1024del, p.Ile342fs (NM_001142446.2); c.925del, p.Ile309fs (NM_020475.3, NM_020476.3, NM_020477.3); short protein forms I309fs, I342fs.
Identifiers: ClinVar variation 3346526 (VCV003346526.1).

ClinVar aggregate classification (germline): Likely pathogenic (0 of 4 stars; one submission).

Conditions:
ANK1-related disorder. Also called: ANK1-related condition.

Submission:

PreventionGenetics, part of Exact Sciences
Classification: Likely pathogenic for ANK1-related condition. Last evaluated: 2024-06-23. Review status: no assertion criteria provided. Collection method: clinical testing. Allele origin: germline.
Comment: The ANK1 c.925delA variant is predicted to result in a frameshift and premature protein termination (p.Ile309Phefs*23). To our knowledge, this variant has not been reported in the literature or in a large population database, indicating this variant is rare. Frameshift variants in ANK1 are expected to be pathogenic. This variant is interpreted as likely pathogenic.